The following is an entry in ClinVar:

NM_006514.4(SCN10A):c.508A>G (p.Ile170Val)

Gene: SCN10A (sodium voltage-gated channel alpha subunit 10; minus strand). Cytogenetic location: 3p22.2.
Variant type: single nucleotide variant.
Coding change: c.508A>G on transcript NM_006514.4 (MANE Select); coding-DNA position 508, A replaced by G.
Protein change: p.Ile170Val; replaces isoleucine 170 with valine.
Molecular consequence: missense variant.
Genome position (GRCh38, 1-based): chr3:38,771,370, T>C on the plus strand (A>G on the coding strand, the complement: SCN10A is on the minus strand). VCF-style: chr3-38771370-T-C. GRCh37 (hg19) VCF-style: chr3-38812861-T-C.
Other names: c.508A>G, p.Ile170Val (NM_001293306.2, NM_001293307.2); short protein forms I170V.
Identifiers: ClinVar variation 3225675 (VCV003225675.2), dbSNP rs761597194, ClinGen allele CA352156419.
Genomic context (GRCh38, chr3:38,771,370, plus strand): 5'-TCCAAGGATCTCTCAGGTACGTGAACTCATTTAGACAAAATCCTCTTGCCAGTATCTTTA[T>C]CAAGGCTTCAAAGGTGTAAATGACAGTGAAGACATATCTGGGAAGGAGGGTAGAAAAGGA-3'
Protein context (NP_006505.4, residues 160-180): FTVIYTFEAL[Ile170Val]KILARGFCLN

ClinVar aggregate classification (germline): Uncertain significance. Review status: criteria provided, multiple submitters, no conflicts (2 of 4 stars). 2 submissions from 2 submitters: Uncertain significance (2). Last evaluated 2025-06-30.

Conditions:
Cardiovascular phenotype. Identifiers: MedGen CN230736.

Allele frequency attached by ClinVar (database versions not stated): TOPMed below 0.00001.

Submissions (2):

GeneDx
Classification: Uncertain significance. Last evaluated: 2025-06-30. Review status: criteria provided, single submitter. Criteria: GeneDx Variant Classification Process June 2021. Collection method: clinical testing. Allele origin: germline. Affected: yes.
Comment: Not observed at significant frequency in large population cohorts (gnomAD); In silico analysis suggests that this missense variant does not alter protein structure/function; Has not been previously published as pathogenic or benign to our knowledge

Ambry Genetics
Classification: Uncertain significance for Cardiovascular phenotype. Last evaluated: 2024-01-01. Review status: criteria provided, single submitter. Criteria: Ambry Variant Classification Scheme 2023. Collection method: clinical testing. Allele origin: germline.
Comment: The p.I170V variant (also known as c.508A>G), located in coding exon 4 of the SCN10A gene, results from an A to G substitution at nucleotide position 508. The isoleucine at codon 170 is replaced by valine, an amino acid with highly similar properties. This amino acid position is conserved. In addition, this alteration is predicted to be tolerated by in silico analysis. Since supporting evidence is limited at this time, the clinical significance of this alteration remains unclear.